The following is an entry in ClinVar:

ClinVar aggregate classification (germline): Uncertain significance. Review status: criteria provided, single submitter (1 of 4 stars). 2 submissions from 2 submitters: Uncertain significance (1). 1 of the submissions does not count toward it. Last evaluated 2021-10-12.

Conditions:
Inborn genetic diseases. Identifiers: MedGen C0950123, MeSH D030342.
VPS16-related disorder. Also called: VPS16-related condition.

Allele frequency attached by ClinVar (database versions not stated): ExAC 0.00001; gnomAD exomes 0.00001; TOPMed 0.00003; gnomAD 0.00004.
gnomAD v4.1: 19 of 1,613,812 alleles (0.0012%); highest among the groups gnomAD compares: African/African-American, 0.008%; no homozygotes.

Submissions (2):

Ambry Genetics
Classification: Uncertain significance for Inborn genetic diseases. Last evaluated: 2021-10-12. Review status: criteria provided, single submitter. Criteria: Ambry Variant Classification Scheme 2023. Collection method: clinical testing. Allele origin: germline.

PreventionGenetics, part of Exact Sciences
Classification: Uncertain significance for VPS16-related condition. Last evaluated: 2024-01-23. Review status: no assertion criteria provided. Collection method: clinical testing. Allele origin: germline. Not counted in ClinVar's aggregate classification.
Comment: The VPS16 c.427G>A variant is predicted to result in the amino acid substitution p.Gly143Arg. To our knowledge, this variant has not been reported in the literature in association with VPS16-related dystonia. This variant was reported with de novo occurrence in an individual with an undefined developmental disorder (Turner et al 2019. PubMed ID: 31785789, supplemental table 2). However, it is also reported in 0.012% of alleles in individuals of African descent in gnomAD, calling the significance of the de novo occurrence in Turner et al. into question. At this time, the clinical significance of this variant is uncertain due to the absence of conclusive functional and genetic evidence.

NM_022575.4(VPS16):c.427G>A (p.Gly143Arg)

Gene: VPS16 (VPS16 core subunit of CORVET and HOPS complexes; plus strand). Cytogenetic location: 20p13.
Variant type: single nucleotide variant.
Coding change: c.427G>A on transcript NM_022575.4 (MANE Select); coding-DNA position 427, G replaced by A.
Protein change: p.Gly143Arg; replaces glycine 143 with arginine.
Molecular consequence: missense variant.
Genome position (GRCh38, 1-based): chr20:2,860,506, G>A. VCF-style: chr20-2860506-G-A. GRCh37 (hg19) VCF-style: chr20-2841152-G-A.
Other names: c.427G>A, p.Gly143Arg (NM_080413.3); c.427G>A (NM_022575.3); short protein forms G143R.
Identifiers: ClinVar variation 2216947 (VCV002216947.4), dbSNP rs758714420, ClinGen allele CA9737347.